The following is an entry in ClinVar:

ClinVar aggregate classification (germline): Uncertain significance. Review status: criteria provided, multiple submitters, no conflicts (2 of 4 stars). 2 submissions from 2 submitters: Uncertain significance (2). Last evaluated 2025-11-01.

Conditions:
Hereditary cancer-predisposing syndrome. Also called: Neoplastic Syndromes, Hereditary; Tumor predisposition; Hereditary Cancer Syndrome; Hereditary neoplastic syndrome. Identifiers: Orphanet 140162, MedGen C0027672, MeSH D009386, MONDO:0015356.
Fanconi anemia (FA). Also called: Fanconi's anemia. Identifiers: Orphanet 84, MedGen C0015625, MeSH D005199, MONDO:0019391.

Allele frequency attached by ClinVar (database versions not stated): TOPMed below 0.00001; ExAC 0.00001; gnomAD exomes 0.00001.
gnomAD v4.1: 8 of 1,614,046 alleles (0.0005%); highest among the groups gnomAD compares: Non-Finnish European, 0.00068%; no homozygotes.

Submissions (2):

Ambry Genetics
Classification: Uncertain significance for Hereditary cancer-predisposing syndrome. Last evaluated: 2025-11-01. Review status: criteria provided, single submitter. Criteria: Ambry Variant Classification Scheme 2023. Collection method: clinical testing. Allele origin: germline.
Comment: The p.P248S variant (also known as c.742C>T), located in coding exon 7 of the FANCC gene, results from a C to T substitution at nucleotide position 742. The proline at codon 248 is replaced by serine, an amino acid with similar properties. This amino acid position is conserved. In addition, the in silico prediction for this alteration is inconclusive. Since supporting evidence is limited at this time, the clinical significance of this alteration remains unclear.

Labcorp Genetics (formerly Invitae), Labcorp
Classification: Uncertain significance for Fanconi anemia. Last evaluated: 2023-12-16. Review status: criteria provided, single submitter. Criteria: Invitae Variant Classification Sherloc (09022015). Collection method: clinical testing. Allele origin: germline.
Comment: This sequence change replaces proline, which is neutral and non-polar, with serine, which is neutral and polar, at codon 248 of the FANCC protein (p.Pro248Ser). This variant is present in population databases (rs746679714, gnomAD 0.002%). This variant has not been reported in the literature in individuals affected with FANCC-related conditions. ClinVar contains an entry for this variant (Variation ID: 1758873). Advanced modeling of protein sequence and biophysical properties (such as structural, functional, and spatial information, amino acid conservation, physicochemical variation, residue mobility, and thermodynamic stability) performed at Invitae indicates that this missense variant is expected to disrupt FANCC protein function with a positive predictive value of 80%. In summary, the available evidence is currently insufficient to determine the role of this variant in disease. Therefore, it has been classified as a Variant of Uncertain Significance.

NM_000136.3(FANCC):c.742C>T (p.Pro248Ser)

Genes: FANCC (FA complementation group C; minus strand), AOPEP (aminopeptidase O (putative); plus strand). Cytogenetic location: 9q22.32.
Variant type: single nucleotide variant.
Coding change: c.742C>T on transcript NM_000136.3 (MANE Select); coding-DNA position 742, C replaced by T.
Protein change: p.Pro248Ser; replaces proline 248 with serine.
Molecular consequence: missense variant.
Genome position (GRCh38, 1-based): chr9:95,135,447, G>A on the plus strand (C>T on the coding strand, the complement: FANCC is on the minus strand). VCF-style: chr9-95135447-G-A. GRCh37 (hg19) VCF-style: chr9-97897729-G-A.
Other names: c.742C>T, p.Pro248Ser (NM_001243743.2, NM_001243744.2); short protein forms P248S.
Identifiers: ClinVar variation 1758873 (VCV001758873.5), dbSNP rs746679714, ClinGen allele CA5137642.